The following is an entry in ClinVar:

NM_176806.4(MOCS2):c.61G>T (p.Val21Phe)

Gene: MOCS2 (molybdenum cofactor synthesis 2; minus strand). Cytogenetic location: 5q11.2.
Variant type: single nucleotide variant.
Coding change: c.61G>T on transcript NM_176806.4 (MANE Plus Clinical); coding-DNA position 61, G replaced by T.
Protein change: p.Val21Phe; replaces valine 21 with phenylalanine.
Molecular consequence: missense variant. On other transcripts: 5 prime UTR variant (1).
Genome position (GRCh38, 1-based): chr5:53,108,601, C>A on the plus strand (G>T on the coding strand, the complement: MOCS2 is on the minus strand). VCF-style: chr5-53108601-C-A. GRCh37 (hg19) VCF-style: chr5-52404431-C-A.
Other names: c.-127G>T (NM_004531.5); short protein forms V21F.
Identifiers: ClinVar variation 1001442 (VCV001001442.35), dbSNP rs759021832, ClinGen allele CA3263807.

ClinVar aggregate classification (germline): Uncertain significance. Review status: criteria provided, multiple submitters, no conflicts (2 of 4 stars). 3 submissions from 3 submitters: Uncertain significance (3). Last evaluated 2024-11-11.

Allele frequency attached by ClinVar (database versions not stated): gnomAD 0.00001; TOPMed 0.00002.

Submissions (3):

Labcorp Genetics (formerly Invitae), Labcorp
Classification: Uncertain significance. Last evaluated: 2024-11-11. Review status: criteria provided, single submitter. Criteria: Invitae Variant Classification Sherloc (09022015). Collection method: clinical testing. Allele origin: germline.
Comment: This sequence change replaces valine, which is neutral and non-polar, with phenylalanine, which is neutral and non-polar, at codon 21 of the MOCS2A protein (p.Val21Phe). This variant is present in population databases (rs759021832, gnomAD 0.04%). This variant has not been reported in the literature in individuals affected with MOCS2A-related conditions. ClinVar contains an entry for this variant (Variation ID: 1001442). An algorithm developed to predict the effect of missense changes on protein structure and function (PolyPhen-2) suggests that this variant is likely to be disruptive. In summary, the available evidence is currently insufficient to determine the role of this variant in disease. Therefore, it has been classified as a Variant of Uncertain Significance.

Blueprint Genetics
Classification: Uncertain significance. Last evaluated: 2024-10-02. Review status: criteria provided, single submitter. Criteria: ACMG Guidelines, 2015. Collection method: clinical testing. Allele origin: germline.

CeGaT Center for Human Genetics Tuebingen
Classification: Uncertain significance. Last evaluated: 2023-06-01. Review status: criteria provided, single submitter. Criteria: CeGaT Center For Human Genetics Tuebingen Variant Classification Criteria Version 2. Collection method: clinical testing. Allele origin: germline. Affected: yes. Observed: 1 variant allele.
Comment: MOCS2: PM2:Supporting, BP4